The following is an entry in ClinVar:

NM_014363.6(SACS):c.7436_7443dup (p.Lys2482delinsProLeuTer)

Gene: SACS (sacsin molecular chaperone; minus strand). Cytogenetic location: 13q12.12.
Variant type: Duplication.
Coding change: c.7436_7443dup on transcript NM_014363.6 (MANE Select); coding-DNA positions 7436 to 7443, 8 bases duplicated (CCACTGTA; older notation c.7436_7443dupCCACTGTA).
Protein change: p.Lys2482delinsProLeuTer.
Molecular consequence: nonsense.
Genome position (GRCh38, 1-based): chr13:23,336,433-23,336,440, TACAGTGG duplicated on the plus strand (CCACTGTA on the coding strand, the reverse complement: SACS is on the minus strand); duplicating any 8 consecutive bases within chr13:23,336,433-23,336,442 gives the same sequence; the c. name uses the placement nearest the transcript's 3' end. VCF-style (leftmost placement, unchanged base first): chr13-23336432-T-TTACAGTGG. GRCh37 (hg19) VCF-style: chr13-23910571-T-TTACAGTGG.
Other names: c.6995_7002dup, p.Lys2335delinsProLeuTer (NM_001278055.2).
Identifiers: ClinVar variation 551277 (VCV000551277.3), dbSNP rs1555251421, ClinGen allele CA658823507.
Genomic context (GRCh38, chr13:23,336,432, plus strand): 5'-GCTTTGGGACTGCTCCTAGTTTTACTGCTACTTCCCTGGGTATGTCAGCATGACAATATT[T>TTACAGTGG]TACAGTGGTATCCTTTACTTTTATCCAAGGGCAATCATTGTAGCATAACGATTTAGCAGG-3'

ClinVar aggregate classification (germline): Likely pathogenic. Review status: criteria provided, single submitter (1 of 4 stars). 2 submissions from 2 submitters: Likely pathogenic (1). 1 of the submissions does not count toward it. Last evaluated 2023-07-29.

Conditions:
Charlevoix-Saguenay spastic ataxia (SACS). Also called: SPASTIC ATAXIA 6, AUTOSOMAL RECESSIVE; Spastic ataxia of Charlevoix-Saguenay; AUTOSOMAL RECESSIVE SPASTIC ATAXIA OF CHARLEVOIX-SAGUENAY. Identifiers: Orphanet 98, MedGen C1849140, MONDO:0010041, OMIM 270550.

Submissions (2):

Illumina Laboratory Services, Illumina
Classification: Likely pathogenic for Charlevoix-Saguenay spastic ataxia. Last evaluated: 2023-07-29. Review status: criteria provided, single submitter. Criteria: ICSLVariantClassificationCriteria RUGD 01 April 2020. Collection method: clinical testing. Allele origin: unknown.
Comment: The SACS c.7436_7443dupCCACTGTA (p.Lys2482ProfsTer3) variant causes a shift in the protein reading frame that is predicted to result in premature termination of the protein. This variant occurs in the last exon of the gene, and the resulting transcript may escape nonsense-mediated mRNA decay. To our knowledge, this variant has not been reported in the peer-reviewed literature. However, our laboratory has previously observed this variant in a homozygous state in two siblings with a phenotype consistent with Charlevoix-Saguenay spastic ataxia. The p.Lys2482ProfsTer3 variant is not found in version 2.1.1 or version 3.1.2 of the Genome Aggregation Database. This variant was identified in a homozygous state. Based on the available evidence, the c.7436_7443dupCCACTGTA (p.Lys2482ProfsTer3) variant is classified as likely pathogenic for Charlevoix-Saguenay spastic ataxia.

Counsyl
Classification: Likely pathogenic for Charlevoix-Saguenay spastic ataxia. Last evaluated: 2017-03-29. Review status: no assertion criteria provided. Collection method: clinical testing. Allele origin: unknown. Not counted in ClinVar's aggregate classification.